The following is an entry in ClinVar:

NM_015272.5(RPGRIP1L):c.2573C>A (p.Ser858Ter)

Gene: RPGRIP1L (RPGRIP1 like; minus strand). Cytogenetic location: 16q12.2.
Variant type: single nucleotide variant.
Coding change: c.2573C>A on transcript NM_015272.5 (MANE Select); coding-DNA position 2573, C replaced by A.
Protein change: p.Ser858Ter; replaces serine 858 with a stop codon.
Molecular consequence: nonsense.
Genome position (GRCh38, 1-based): chr16:53,645,735, G>T on the plus strand (C>A on the coding strand, the complement: RPGRIP1L is on the minus strand). VCF-style: chr16-53645735-G-T. GRCh37 (hg19) VCF-style: chr16-53679647-G-T.
Other names: c.2573C>A, p.Ser858Ter (NM_001127897.4, NM_001308334.3, NM_001330538.2); short protein forms S858*.
Identifiers: ClinVar variation 2953865 (VCV002953865.3), dbSNP rs2544102925, ClinGen allele CA395914312.
Genomic context (GRCh38, chr16:53,645,735, plus strand): 5'-CCTATGTAAATATTCTCCTGGGTATCACTATCATCAAAAACATAAAAACTCAGAGACTCT[G>T]ACTTAAGGTATCGATCCAAGTCCATATTCATTGGCACTGGGAAATACATATGATCATCAA-3'

ClinVar aggregate classification (germline): Pathogenic (1 of 4 stars; one submission).

Conditions:
Joubert syndrome. Also called: CEREBELLOPARENCHYMAL DISORDER IV; JOUBERT-BOLTSHAUSER SYNDROME; Familial aplasia of the vermis. Identifiers: Orphanet 475, MedGen C5979921, MONDO:0018772.
Meckel-Gruber syndrome. Also called: DYSENCEPHALIA SPLANCHNOCYSTICA; GRUBER SYNDROME; Dysencephalia splachnocystica. Identifiers: Orphanet 564, MedGen C0265215, MONDO:0018921.

Submission:

Labcorp Genetics (formerly Invitae), Labcorp
Classification: Pathogenic for Joubert syndrome; Meckel-Gruber syndrome. Last evaluated: 2023-11-14. Review status: criteria provided, single submitter. Criteria: Invitae Variant Classification Sherloc (09022015). Collection method: clinical testing. Allele origin: germline.
Comment: This sequence change creates a premature translational stop signal (p.Ser858*) in the RPGRIP1L gene. It is expected to result in an absent or disrupted protein product. Loss-of-function variants in RPGRIP1L are known to be pathogenic (PMID: 17558409). This variant is not present in population databases (gnomAD no frequency). This variant has not been reported in the literature in individuals affected with RPGRIP1L-related conditions. Algorithms developed to predict the effect of sequence changes on RNA splicing suggest that this variant may disrupt the consensus splice site. For these reasons, this variant has been classified as Pathogenic.

Literature cited by the submitters: PubMed 17558409.